The following is an entry in ClinVar:

ClinVar aggregate classification (germline): Conflicting classifications of pathogenicity. Review status: criteria provided, conflicting classifications (1 of 4 stars). 2 submissions from 2 submitters: Uncertain significance (1); Likely benign (1). Last evaluated 2026-08-06.

Conditions:
DNMT1-related disorder. Also called: DNMT1-related condition. Identifiers: MedGen CN381527.
Hereditary sensory neuropathy-deafness-dementia syndrome. Also called: Hereditary sensory neuropathy type IE; HSN IE; NEUROPATHY, HEREDITARY SENSORY, WITH HEARING LOSS AND DEMENTIA; Hereditary Sensory and Autonomic Neuropathy Type 1E (HSAN1E). Identifiers: Orphanet 456318, MedGen C3279885, MONDO:0013584, OMIM 614116.

Allele frequency attached by ClinVar (database versions not stated): TOPMed 0.00010; gnomAD 0.00011; 1000 Genomes Project 30x 0.00031; 1000 Genomes Project 0.00040.

Submissions (2):

PreventionGenetics, part of Exact Sciences
Classification: Uncertain significance for DNMT1-related condition. Last evaluated: 2026-08-06. Review status: criteria provided, single submitter. Criteria: ACMG Guidelines, 2015. Collection method: clinical testing. Allele origin: germline.
Comment: The DNMT1 c.479T>C variant is predicted to result in the amino acid substitution p.Val160Ala. To our knowledge, this variant has not been reported in the literature. This variant is reported in 0.015% of alleles in individuals of African descent in gnomAD. Although we suspect that this variant may be benign, at this time, the clinical significance of this variant is uncertain due to the absence of conclusive functional and genetic evidence.

Labcorp Genetics (formerly Invitae), Labcorp
Classification: Likely benign for Hereditary sensory neuropathy-deafness-dementia syndrome. Last evaluated: 2025-06-24. Review status: criteria provided, single submitter. Criteria: Invitae Variant Classification Sherloc (09022015). Collection method: clinical testing. Allele origin: germline.

NM_001130823.3(DNMT1):c.479T>C (p.Val160Ala)

Gene: DNMT1 (DNA methyltransferase 1; minus strand). Cytogenetic location: 19p13.2.
Variant type: single nucleotide variant.
Coding change: c.479T>C on transcript NM_001130823.3 (MANE Select); coding-DNA position 479, T replaced by C.
Protein change: p.Val160Ala; replaces valine 160 with alanine.
Molecular consequence: missense variant. On other transcripts: intron variant (2).
Genome position (GRCh38, 1-based): chr19:10,180,201, A>G on the plus strand (T>C on the coding strand, the complement: DNMT1 is on the minus strand). VCF-style: chr19-10180201-A-G. GRCh37 (hg19) VCF-style: chr19-10290877-A-G.
Other names: c.479T>C (NM_001130823.2); c.116T>C, p.Val39Ala (NM_001318731.2); c.445+149T>C (NM_001379.4, NM_001318730.2); short protein forms V39A, V160A.
Identifiers: ClinVar variation 2083577 (VCV002083577.5), dbSNP rs551710195, ClinGen allele CA305184848.